The following is an entry in ClinVar:

NM_000069.3(CACNA1S):c.5048G>T (p.Ser1683Ile)

Gene: CACNA1S (calcium voltage-gated channel subunit alpha1 S; minus strand). Cytogenetic location: 1q32.1.
Variant type: single nucleotide variant.
Coding change: c.5048G>T on transcript NM_000069.3 (MANE Select); coding-DNA position 5048, G replaced by T.
Protein change: p.Ser1683Ile; replaces serine 1683 with isoleucine.
Molecular consequence: missense variant.
Genome position (GRCh38, 1-based): chr1:201,043,281, C>A on the plus strand (G>T on the coding strand, the complement: CACNA1S is on the minus strand). VCF-style: chr1-201043281-C-A. GRCh37 (hg19) VCF-style: chr1-201012409-C-A.
Other names: short protein forms S1683I.
Identifiers: ClinVar variation 3073583 (VCV003073583.1), dbSNP rs2464410063, ClinGen allele CA344135173.

ClinVar aggregate classification (germline): Uncertain significance (1 of 4 stars; one submission).

Conditions:
Malignant hyperthermia, susceptibility to, 5 (MHS5). Also called: CACNA1S-Related Malignant Hyperthermia Susceptibility. Identifiers: Orphanet 423, MedGen C1866077, MONDO:0011163, OMIM 601887.

Allele frequency attached by ClinVar (database versions not stated): gnomAD exomes below 0.00001.

Submission:

All of Us Research Program, National Institutes of Health
Classification: Uncertain significance for Malignant hyperthermia, susceptibility to, 5. Last evaluated: 2023-10-02. Review status: criteria provided, single submitter. Criteria: ACMG Guidelines, 2015. Collection method: clinical testing. Allele origin: germline. Inheritance: Autosomal dominant inheritance. Observed: 1 variant allele, 1 heterozygote.
Comment: This missense variant replaces serine with isoleucine at codon 1683 of the CACNA1S protein. Computational prediction suggests that this variant may not impact protein structure and function (internally defined REVEL score threshold <= 0.5, PMID: 27666373). To our knowledge, functional studies have not been reported for this variant. This variant has not been reported in individuals affected with CACNA1S-related disorders in the literature. This variant has not been identified in the general population by the Genome Aggregation Database (gnomAD). The available evidence is insufficient to determine the role of this variant in disease conclusively. Therefore, this variant is classified as a Variant of Uncertain Significance.

This study involves interpretation of variants in research participants for the purpose of population health screening. Participant phenotype was not available at the time of variant classification. Additional details can be found in publication PMID: 35346344, PMCID: PMC8962531